The following is an entry in ClinVar:

ClinVar aggregate classification (germline): Pathogenic (1 of 4 stars; one submission).

Conditions:
Achondrogenesis, type IB (ACG1B). Also called: Achondrogenesis Type 1B. Identifiers: Orphanet 932, Orphanet 93298, MedGen C0265274, MONDO:0010966, OMIM 600972.
Diastrophic dysplasia (DTD). Also called: Diastrophic dwarfism. Identifiers: Orphanet 628, MedGen C0220726, MONDO:0009107, OMIM 222600.
Multiple epiphyseal dysplasia type 4 (EDM4). Also called: Multiple Epiphyseal Dysplasia, Recessive; MULTIPLE EPIPHYSEAL DYSPLASIA WITH BILAYERED PATELLAE; MULTIPLE EPIPHYSEAL DYSPLASIA WITH CLUBFOOT; MULTIPLE EPIPHYSEAL DYSPLASIA, AUTOSOMAL RECESSIVE; SLC26A2-Related Multiple Epiphyseal Dysplasia. Identifiers: Orphanet 93307, MedGen C1847593, MONDO:0009189, OMIM 226900.
Atelosteogenesis type II (AO2). Also called: NEONATAL OSSEOUS DYSPLASIA I; Neonatal osseous dysplasia 1; SLC26A2-Related Atelosteogenesis. Identifiers: Orphanet 56304, MedGen C1850554, MONDO:0009727, OMIM 256050.

Submission:

Labcorp Genetics (formerly Invitae), Labcorp
Classification: Pathogenic for Atelosteogenesis type II; Multiple epiphyseal dysplasia type 4; Achondrogenesis, type IB; Diastrophic dysplasia. Last evaluated: 2023-04-18. Review status: criteria provided, single submitter. Criteria: Invitae Variant Classification Sherloc (09022015). Collection method: clinical testing. Allele origin: germline.
Comment: For these reasons, this variant has been classified as Pathogenic. This variant has not been reported in the literature in individuals affected with SLC26A2-related conditions. This variant is not present in population databases (gnomAD no frequency). This sequence change creates a premature translational stop signal (p.Gln135Trpfs*41) in the SLC26A2 gene. It is expected to result in an absent or disrupted protein product. Loss-of-function variants in SLC26A2 are known to be pathogenic (PMID: 7923357, 10482955, 11241838).

Literature cited by the submitters: PubMed 7923357; PubMed 10482955; PubMed 11241838.

NM_000112.4(SLC26A2):c.399_402dup (p.Gln135fs)

Gene: SLC26A2 (solute carrier family 26 member 2; plus strand). Cytogenetic location: 5q32.
Variant type: Microsatellite.
Coding change: c.399_402dup on transcript NM_000112.4 (MANE Select); coding-DNA positions 399 to 402, 4 bases duplicated (TGGC; older notation c.399_402dupTGGC).
Protein change: p.Gln135fs; shifts the reading frame from glutamine 135.
Molecular consequence: frameshift variant.
Genome position (GRCh38, 1-based): chr5:149,978,051-149,978,054, TGGC duplicated; duplicating any 4 consecutive bases within chr5:149,978,045-149,978,054 gives the same sequence; the c. name uses the placement nearest the transcript's 3' end. VCF-style (leftmost placement, unchanged base first): chr5-149978044-T-TGCTG. GRCh37 (hg19) VCF-style: chr5-149357607-T-TGCTG.
Other names: short protein forms Q135fs.
Identifiers: ClinVar variation 2946896 (VCV002946896.3), dbSNP rs2480770954, ClinGen allele CA2740094132.
Genomic context (GRCh38, chr5:149,978,044, plus strand): 5'-ATGTGATGTCAGGCTTGATTGTGGGCATATTATTGGTGCCCCAGTCCATTGCTTATTCCC[T>TGCTG]GCTGGCTGGCCAAGAACCTGTCTATGGTCTGTACACATCTTTTTTTGCCAGCATCATTTA-3'